The following is an entry in ClinVar:

ClinVar aggregate classification (germline): Likely pathogenic (1 of 4 stars; one submission).

Submission:

CeGaT Center for Human Genetics Tuebingen
Classification: Likely pathogenic. Last evaluated: 2026-03-01. Review status: criteria provided, single submitter. Criteria: CeGaT Center For Human Genetics Tuebingen Variant Classification Criteria Version 2. Collection method: clinical testing. Allele origin: germline. Affected: yes. Observed: 1 variant allele.
Comment: RAC1: PM2, PS2:Moderate, PP2, PP3

NM_006908.5(RAC1):c.479T>C (p.Leu160Pro)

Gene: RAC1 (Rac family small GTPase 1; plus strand). Cytogenetic location: 7p22.1.
Variant type: single nucleotide variant.
Coding change: c.479T>C on transcript NM_006908.5 (MANE Select); coding-DNA position 479, T replaced by C.
Protein change: p.Leu160Pro; replaces leucine 160 with proline.
Molecular consequence: missense variant.
Genome position (GRCh38, 1-based): chr7:6,402,346, T>C. VCF-style: chr7-6402346-T-C. GRCh37 (hg19) VCF-style: chr7-6441977-T-C.
Other names: c.536T>C, p.Leu179Pro (NM_018890.4); short protein forms L160P, L179P.
Identifiers: ClinVar variation 4823705 (VCV004823705.4).
Genomic context (GRCh38, chr7:6,402,346, plus strand): 5'-TACATTGCCGTGTGGTCGTGTTTCCTGTAGGTGCTGTAAAATACCTGGAGTGCTCGGCGC[T>C]CACACAGCGAGGCCTCAAGACAGTGTTTGACGAAGCGATCCGAGCAGTCCTCTGCCCGCC-3'
Protein context (NP_008839.2, residues 150-170): GAVKYLECSA[Leu160Pro]TQRGLKTVFD